The following is an entry in ClinVar:

ClinVar aggregate classification (germline): Uncertain significance (1 of 4 stars; one submission).

gnomAD v4.1: 5 of 1,611,942 alleles (0.00031%); highest among the groups gnomAD compares: Admixed American, 0.0017%; no homozygotes.

Submission:

Women's Health and Genetics/Laboratory Corporation of America, LabCorp
Classification: Uncertain significance. Last evaluated: 2025-03-26. Review status: criteria provided, single submitter. Criteria: LabCorp Variant Classification Summary - May 2015. Collection method: clinical testing. Allele origin: germline.
Comment: Variant summary: CLCN2 c.1882G>A (p.Glu628Lys) results in a conservative amino acid change in the encoded protein sequence. Three of five in-silico tools predict a damaging effect of the variant on protein function. The variant allele was found at a frequency of 4.1e-06 in 244276 control chromosomes. The available data on variant occurrences in the general population are insufficient to allow any conclusion about variant significance. To our knowledge, no occurrence of c.1882G>A in individuals affected with CLCN2-Related Disorders and no experimental evidence demonstrating its impact on protein function have been reported. No submitters have cited clinical-significance assessments for this variant to ClinVar. Based on the evidence outlined above, the variant was classified as uncertain significance.

NM_004366.6(CLCN2):c.1882G>A (p.Glu628Lys)

Gene: CLCN2 (chloride voltage-gated channel 2; minus strand). Cytogenetic location: 3q27.1.
Variant type: single nucleotide variant.
Coding change: c.1882G>A on transcript NM_004366.6 (MANE Select); coding-DNA position 1882, G replaced by A.
Protein change: p.Glu628Lys; replaces glutamic acid 628 with lysine.
Molecular consequence: missense variant.
Genome position (GRCh38, 1-based): chr3:184,353,396, C>T on the plus strand (G>A on the coding strand, the complement: CLCN2 is on the minus strand). VCF-style: chr3-184353396-C-T. GRCh37 (hg19) VCF-style: chr3-184071184-C-T.
Other names: c.1831G>A, p.Glu611Lys (NM_001171087.3); c.1750G>A, p.Glu584Lys (NM_001171088.3); c.1882G>A, p.Glu628Lys (NM_001171089.3); short protein forms E584K, E611K, E628K.
Identifiers: ClinVar variation 3895930 (VCV003895930.1).